The following is an entry in ClinVar:

NM_000051.4(ATM):c.7271T>A (p.Val2424Glu)

Genes: ATM (ATM serine/threonine kinase; plus strand), C11orf65 (chromosome 11 open reading frame 65; minus strand). Cytogenetic location: 11q22.3.
Variant type: single nucleotide variant.
Coding change: c.7271T>A on transcript NM_000051.4 (MANE Select); coding-DNA position 7271, T replaced by A.
Protein change: p.Val2424Glu; replaces valine 2424 with glutamic acid.
Molecular consequence: missense variant. On other transcripts: intron variant (2).
Genome position (GRCh38, 1-based): chr11:108,329,202, T>A. VCF-style: chr11-108329202-T-A. GRCh37 (hg19) VCF-style: chr11-108199929-T-A.
Other names: c.7271T>A, p.Val2424Glu (NM_001351834.2); c.641-20131A>T (NM_001330368.2); c.*38+6018A>T (NM_001351110.2); short protein forms V2424E.
Identifiers: ClinVar variation 851883 (VCV000851883.10), dbSNP rs28904921, ClinGen allele CA382559768.

ClinVar aggregate classification (germline): Uncertain significance (1 of 4 stars; one submission).

Conditions:
Ataxia-telangiectasia syndrome (AT). Also called: ATAXIA-TELANGIECTASIA, COMPLEMENTATION GROUP A; ATAXIA-TELANGIECTASIA, FRESNO VARIANT; Ataxia-telangiectasia; Ataxia-telangiectasia, complementation group D; AT, COMPLEMENTATION GROUP C; Ataxia-telangiectasia, complementation group E. Identifiers: Orphanet 100, MedGen C0004135, MONDO:0008840, OMIM 208900.

Submission:

Labcorp Genetics (formerly Invitae), Labcorp
Classification: Uncertain significance for Ataxia-telangiectasia syndrome. Last evaluated: 2019-12-02. Review status: criteria provided, single submitter. Criteria: Invitae Variant Classification Sherloc (09022015). Collection method: clinical testing. Allele origin: germline.
Comment: This variant disrupts the p.Val2424 amino acid residue in ATM. Other variant(s) that disrupt this residue have been determined to be pathogenic (PMID: 18575927, 9463314, 27595995, 21787400, 18634022, 19431188). This suggests that this residue is clinically significant, and that variants that disrupt this residue are likely to be disease-causing. In summary, the available evidence is currently insufficient to determine the role of this variant in disease. Therefore, it has been classified as a Variant of Uncertain Significance. Algorithms developed to predict the effect of missense changes on protein structure and function (SIFT, PolyPhen-2, Align-GVGD) all suggest that this variant is likely to be disruptive, but these predictions have not been confirmed by published functional studies and their clinical significance is uncertain. This variant has not been reported in the literature in individuals with ATM-related conditions. This variant is not present in population databases (ExAC no frequency). This sequence change replaces valine with glutamic acid at codon 2424 of the ATM protein (p.Val2424Glu). The valine residue is highly conserved and there is a moderate physicochemical difference between valine and glutamic acid.

Literature cited by the submitters: PubMed 18575927; PubMed 9463314; PubMed 27595995; PubMed 21787400; PubMed 18634022; PubMed 19431188.